The following is an entry in ClinVar:

ClinVar aggregate classification (germline): Uncertain significance. Review status: criteria provided, multiple submitters, no conflicts (2 of 4 stars). 2 submissions from 2 submitters: Uncertain significance (2). Last evaluated 2025-08-10.

Conditions:
Inborn genetic diseases. Identifiers: MedGen C0950123, MeSH D030342.
Nephronophthisis 16 (NPHP16). Identifiers: Orphanet 655, MedGen C3809320, MONDO:0014158, OMIM 615382.

Allele frequency attached by ClinVar (database versions not stated): gnomAD 0.00001; gnomAD exomes 0.00002; TOPMed 0.00002.
gnomAD v4.1: 29 of 1,573,940 alleles (0.0018%); highest among the groups gnomAD compares: Non-Finnish European, 0.0024%; no homozygotes.

Submissions (2):

Ambry Genetics
Classification: Uncertain significance for Inborn genetic diseases. Last evaluated: 2025-08-10. Review status: criteria provided, single submitter. Criteria: Ambry Variant Classification Scheme 2023. Collection method: clinical testing. Allele origin: germline.

Labcorp Genetics (formerly Invitae), Labcorp
Classification: Uncertain significance for Nephronophthisis 16. Last evaluated: 2022-05-11. Review status: criteria provided, single submitter. Criteria: Invitae Variant Classification Sherloc (09022015). Collection method: clinical testing. Allele origin: germline.
Comment: This variant has not been reported in the literature in individuals affected with ANKS6-related conditions. This variant is present in population databases (no rsID available, gnomAD 0.005%). This sequence change replaces serine, which is neutral and polar, with asparagine, which is neutral and polar, at codon 647 of the ANKS6 protein (p.Ser647Asn). In summary, the available evidence is currently insufficient to determine the role of this variant in disease. Therefore, it has been classified as a Variant of Uncertain Significance. Algorithms developed to predict the effect of missense changes on protein structure and function output the following: SIFT: "Tolerated"; PolyPhen-2: "Benign"; Align-GVGD: "Class C0". The asparagine amino acid residue is found in multiple mammalian species, which suggests that this missense change does not adversely affect protein function.

NM_173551.5(ANKS6):c.1940G>A (p.Ser647Asn)

Genes: ANKS6 (ankyrin repeat and sterile alpha motif domain containing 6; minus strand), LOC124310614 (Sharpr-MPRA regulatory region 9654; plus strand). Cytogenetic location: 9q22.33.
Variant type: single nucleotide variant.
Coding change: c.1940G>A on transcript NM_173551.5 (MANE Select); coding-DNA position 1940, G replaced by A.
Protein change: p.Ser647Asn; replaces serine 647 with asparagine.
Molecular consequence: missense variant.
Genome position (GRCh38, 1-based): chr9:98,770,928, C>T on the plus strand (G>A on the coding strand, the complement: ANKS6 is on the minus strand). VCF-style: chr9-98770928-C-T. GRCh37 (hg19) VCF-style: chr9-101533210-C-T.
Other names: c.1940G>A (NM_173551.3); short protein forms S647N.
Identifiers: ClinVar variation 2176088 (VCV002176088.5), dbSNP rs933261832, ClinGen allele CA196807505.